The following is an entry in ClinVar:

NM_014049.5(ACAD9):c.623A>G (p.Asn208Ser)

Gene: ACAD9 (acyl-CoA dehydrogenase family member 9; plus strand). Cytogenetic location: 3q21.3.
Variant type: single nucleotide variant.
Coding change: c.623A>G on transcript NM_014049.5 (MANE Select); coding-DNA position 623, A replaced by G.
Protein change: p.Asn208Ser; replaces asparagine 208 with serine.
Molecular consequence: missense variant. On other transcripts: non-coding transcript variant (1).
Genome position (GRCh38, 1-based): chr3:128,897,700, A>G. VCF-style: chr3-128897700-A-G. GRCh37 (hg19) VCF-style: chr3-128616543-A-G.
Other names: c.254A>G, p.Asn85Ser (NM_001410805.1); short protein forms N85S, N208S.
Identifiers: ClinVar variation 2073719 (VCV002073719.3), dbSNP rs770234633, ClinGen allele CA2601199.

ClinVar aggregate classification (germline): Uncertain significance. Review status: criteria provided, multiple submitters, no conflicts (2 of 4 stars). 2 submissions from 2 submitters: Uncertain significance (2). Last evaluated 2024-05-30.

Conditions:
Inborn genetic diseases. Identifiers: MedGen C0950123, MeSH D030342.

Allele frequency attached by ClinVar (database versions not stated): gnomAD 0.00001; ExAC 0.00003; gnomAD exomes 0.00003; TOPMed 0.00005.
gnomAD v4.1: 45 of 1,613,322 alleles (0.0028%); highest among the groups gnomAD compares: Middle Eastern, 0.033%; no homozygotes.

Submissions (2):

Ambry Genetics
Classification: Uncertain significance for Inborn genetic diseases. Last evaluated: 2024-05-30. Review status: criteria provided, single submitter. Criteria: Ambry Variant Classification Scheme 2023. Collection method: clinical testing. Allele origin: germline.

Labcorp Genetics (formerly Invitae), Labcorp
Classification: Uncertain significance. Last evaluated: 2022-07-26. Review status: criteria provided, single submitter. Criteria: Invitae Variant Classification Sherloc (09022015). Collection method: clinical testing. Allele origin: germline.
Comment: This sequence change replaces asparagine, which is neutral and polar, with serine, which is neutral and polar, at codon 208 of the ACAD9 protein (p.Asn208Ser). This variant is present in population databases (rs770234633, gnomAD 0.01%). This variant has not been reported in the literature in individuals affected with ACAD9-related conditions. Algorithms developed to predict the effect of missense changes on protein structure and function are either unavailable or do not agree on the potential impact of this missense change (SIFT: "Deleterious"; PolyPhen-2: "Benign"; Align-GVGD: "Class C0"). In summary, the available evidence is currently insufficient to determine the role of this variant in disease. Therefore, it has been classified as a Variant of Uncertain Significance.